The following is an entry in ClinVar:

NM_000206.3(IL2RG):c.340G>T (p.Gly114Cys)

Gene: IL2RG (interleukin 2 receptor subunit gamma; minus strand). Cytogenetic location: Xq13.1.
Variant type: single nucleotide variant.
Coding change: c.340G>T on transcript NM_000206.3 (MANE Select); coding-DNA position 340, G replaced by T.
Protein change: p.Gly114Cys; replaces glycine 114 with cysteine.
Molecular consequence: missense variant.
Genome position (GRCh38, 1-based): chrX:71,110,618, C>A on the plus strand (G>T on the coding strand, the complement: IL2RG is on the minus strand). VCF-style: chrX-71110618-C-A. GRCh37 (hg19) VCF-style: chrX-70330468-C-A.
Other names: short protein forms G114C.
Identifiers: ClinVar variation 1067389 (VCV001067389.9), dbSNP rs2147750359, ClinGen allele CA413496780.

ClinVar aggregate classification (germline): Pathogenic (1 of 4 stars; one submission).

Conditions:
X-linked severe combined immunodeficiency (SCIDX1). Also called: X-Linked Combined Immunodeficiency Diseases; IMMUNODEFICIENCY 4; SCID, X-LINKED; SEVERE COMBINED IMMUNODEFICIENCY, X-LINKED, T CELL-NEGATIVE, B CELL-POSITIVE, NK CELL-NEGATIVE; T-B+ severe combined immunodeficiency due to gamma chain deficiency. Identifiers: Orphanet 276, MedGen C6022468, MONDO:0010315, OMIM 300400. Disease mechanism: loss of function.

Submission:

Labcorp Genetics (formerly Invitae), Labcorp
Classification: Pathogenic for X-linked severe combined immunodeficiency. Last evaluated: 2025-08-21. Review status: criteria provided, single submitter. Criteria: Invitae Variant Classification Sherloc (09022015). Collection method: clinical testing. Allele origin: germline.
Comment: This sequence change replaces glycine, which is neutral and non-polar, with cysteine, which is neutral and slightly polar, at codon 114 of the IL2RG protein (p.Gly114Cys). This variant is not present in population databases (gnomAD no frequency). This missense change has been observed in individuals with severe combined immunodeficiency (PMID: 28747913, 35303369; internal data). ClinVar contains an entry for this variant (Variation ID: 1067389). Invitae Evidence Modeling of protein sequence and biophysical properties (such as structural, functional, and spatial information, amino acid conservation, physicochemical variation, residue mobility, and thermodynamic stability) indicates that this missense variant is expected to disrupt IL2RG protein function with a positive predictive value of 95%. This variant disrupts the p.Gly114 amino acid residue in IL2RG. Other variant(s) that disrupt this residue have been observed in individuals with IL2RG-related conditions (PMID: 8401490), which suggests that this may be a clinically significant amino acid residue. For these reasons, this variant has been classified as Pathogenic.

Literature cited by the submitters: PubMed 28747913; PubMed 35303369; PubMed 8401490.